The following is an entry in ClinVar:

NM_001805.4(CEBPE):c.587G>A (p.Gly196Asp)

Gene: CEBPE (CCAAT enhancer binding protein epsilon; minus strand). Cytogenetic location: 14q11.2.
Variant type: single nucleotide variant.
Coding change: c.587G>A on transcript NM_001805.4 (MANE Select); coding-DNA position 587, G replaced by A.
Protein change: p.Gly196Asp; replaces glycine 196 with aspartic acid.
Molecular consequence: missense variant.
Genome position (GRCh38, 1-based): chr14:23,117,746, C>T on the plus strand (G>A on the coding strand, the complement: CEBPE is on the minus strand). VCF-style: chr14-23117746-C-T. GRCh37 (hg19) VCF-style: chr14-23586955-C-T.
Other names: short protein forms G196D.
Identifiers: ClinVar variation 1017403 (VCV001017403.9), dbSNP rs1664525350, ClinGen allele CA388952152.

ClinVar aggregate classification (germline): Uncertain significance (1 of 4 stars; one submission).

Conditions:
Specific granule deficiency. Identifiers: Orphanet 169142, MedGen C0398593, MONDO:0009506.

Allele frequency attached by ClinVar (database versions not stated): TOPMed below 0.00001.

Submission:

Labcorp Genetics (formerly Invitae), Labcorp
Classification: Uncertain significance for Specific granule deficiency. Last evaluated: 2020-10-09. Review status: criteria provided, single submitter. Criteria: Invitae Variant Classification Sherloc (09022015). Collection method: clinical testing. Allele origin: germline.
Comment: In summary, the available evidence is currently insufficient to determine the role of this variant in disease. Therefore, it has been classified as a Variant of Uncertain Significance. This sequence change replaces glycine with aspartic acid at codon 196 of the CEBPE protein (p.Gly196Asp). The glycine residue is highly conserved and there is a moderate physicochemical difference between glycine and aspartic acid. This variant is not present in population databases (ExAC no frequency). This variant has not been reported in the literature in individuals with CEBPE-related conditions. Algorithms developed to predict the effect of missense changes on protein structure and function are either unavailable or do not agree on the potential impact of this missense change (SIFT: "Deleterious"; PolyPhen-2: "Possibly Damaging"; Align-GVGD: "Class C15").